The following is an entry in ClinVar:

NM_014000.3(VCL):c.*1636C>T

Gene: VCL (vinculin; plus strand). Cytogenetic location: 10q22.2.
Variant type: single nucleotide variant.
Coding change: c.*1636C>T on transcript NM_014000.3 (MANE Select); 1636 bases downstream of the stop codon, C replaced by T.
Molecular consequence: 3 prime UTR variant.
Genome position (GRCh38, 1-based): chr10:74,119,805, C>T. VCF-style: chr10-74119805-C-T. GRCh37 (hg19) VCF-style: chr10-75879563-C-T.
Other names: c.*1636C>T (NM_003373.4).
Identifiers: ClinVar variation 878805 (VCV000878805.4), dbSNP rs144240368, ClinGen allele CA209702069.
Genomic context (GRCh38, chr10:74,119,805, plus strand): 5'-TTCCTTTATAATGAGGATGATTATTTTCAAGGCCCTCAGCATATTTGTATAGTTGCTTGC[C>T]TGATATAAATGCAATATTAATGCCTTTAAAGTATGAATCTATGCCAAAGATCACTTGTTG-3'

ClinVar aggregate classification (germline): Likely benign (1 of 4 stars; one submission).

Conditions:
Dilated cardiomyopathy 1W (CMD1W). Identifiers: Orphanet 154, MedGen C1969639, MONDO:0012667, OMIM 611407.

Allele frequency attached by ClinVar (database versions not stated): gnomAD 0.00453 and 0.00483; TOPMed 0.00537; 1000 Genomes Project 0.00619.

Submission:

Illumina Laboratory Services, Illumina
Classification: Likely benign for Dilated cardiomyopathy 1W. Last evaluated: 2018-01-12. Review status: criteria provided, single submitter. Criteria: ICSL Variant Classification Criteria 13 December 2019. Collection method: clinical testing. Allele origin: germline.
Comment: This variant was observed in the ICSL laboratory as part of a predisposition screen in an ostensibly healthy population. It had not been previously curated by ICSL or reported in the Human Gene Mutation Database (HGMD: prior to June 1st, 2018), and was therefore a candidate for classification through an automated scoring system. Utilizing variant allele frequency, disease prevalence and penetrance estimates, and inheritance mode, an automated score was calculated to assess if this variant is too frequent to cause the disease. Based on the score and internal cut-off values, a variant classified as likely benign is not then subjected to further curation. The score for this variant resulted in a classification of likely benign for this disease.